The following is an entry in ClinVar:

NM_020745.4(AARS2):c.2255+7C>T

Gene: AARS2 (alanyl-tRNA synthetase 2, mitochondrial; minus strand). Cytogenetic location: 6p21.1.
Variant type: single nucleotide variant.
Coding change: c.2255+7C>T on transcript NM_020745.4 (MANE Select); 7 bases into the intron after coding-DNA position 2255, C replaced by T.
Molecular consequence: intron variant.
Genome position (GRCh38, 1-based): chr6:44,303,059, G>A on the plus strand (C>T on the coding strand, the complement: AARS2 is on the minus strand). VCF-style: chr6-44303059-G-A. GRCh37 (hg19) VCF-style: chr6-44270796-G-A.
Identifiers: ClinVar variation 391428 (VCV000391428.1), dbSNP rs1057524079, ClinGen allele CA16605107.

ClinVar aggregate classification (germline): Likely benign (1 of 4 stars; one submission).

Allele frequency attached by ClinVar (database versions not stated): gnomAD 0.00001; TOPMed 0.00002; gnomAD exomes 0.00003.
gnomAD v4.1: 39 of 1,613,794 alleles (0.0024%); highest among the groups gnomAD compares: Non-Finnish European, 0.0031%; no homozygotes.

Submission:

GeneDx
Classification: Likely benign. Last evaluated: 2016-12-07. Review status: criteria provided, single submitter. Criteria: GeneDx Variant Classification (06012015). Collection method: clinical testing. Allele origin: germline. Affected: yes.
Comment: This variant is considered likely benign or benign based on one or more of the following criteria: it is a conservative change, it occurs at a poorly conserved position in the protein, it is predicted to be benign by multiple in silico algorithms, and/or has population frequency not consistent with disease.